The following is an entry in ClinVar:

ClinVar aggregate classification (germline): Uncertain significance (1 of 4 stars; one submission).

Allele frequency attached by ClinVar (database versions not stated): TOPMed 0.00002; ExAC 0.00002; gnomAD 0.00002; gnomAD exomes 0.00001.

Submission:

Labcorp Genetics (formerly Invitae), Labcorp
Classification: Uncertain significance. Last evaluated: 2021-05-14. Review status: criteria provided, single submitter. Criteria: Invitae Variant Classification Sherloc (09022015). Collection method: clinical testing. Allele origin: germline.
Comment: Algorithms developed to predict the effect of missense changes on protein structure and function are either unavailable or do not agree on the potential impact of this missense change (SIFT: "Not Available"; PolyPhen-2: "Benign"; Align-GVGD: "Not Available"). This variant has not been reported in the literature in individuals with ADAMTS18-related conditions. This variant is present in population databases (rs756901642, ExAC 0.003%). This sequence change replaces methionine with isoleucine at codon 1123 of the ADAMTS18 protein (p.Met1123Ile). The methionine residue is weakly conserved and there is a small physicochemical difference between methionine and isoleucine. In summary, the available evidence is currently insufficient to determine the role of this variant in disease. Therefore, it has been classified as a Variant of Uncertain Significance.

NM_199355.4(ADAMTS18):c.3369G>T (p.Met1123Ile)

Gene: ADAMTS18 (ADAM metallopeptidase with thrombospondin type 1 motif 18; minus strand). Cytogenetic location: 16q23.1.
Variant type: single nucleotide variant.
Coding change: c.3369G>T on transcript NM_199355.4 (MANE Select); coding-DNA position 3369, G replaced by T.
Protein change: p.Met1123Ile; replaces methionine 1123 with isoleucine.
Molecular consequence: missense variant.
Genome position (GRCh38, 1-based): chr16:77,291,299, C>A on the plus strand (G>T on the coding strand, the complement: ADAMTS18 is on the minus strand). VCF-style: chr16-77291299-C-A. GRCh37 (hg19) VCF-style: chr16-77325196-C-A.
Other names: c.2853G>T, p.Met951Ile (NM_001326358.2); short protein forms M951I, M1123I.
Identifiers: ClinVar variation 1353641 (VCV001353641.4), dbSNP rs756901642, ClinGen allele CA8180483.